The following is an entry in ClinVar:

NM_001164508.2(NEB):c.22477C>T (p.Gln7493Ter)

Genes: NEB (nebulin; minus strand), RIF1 (replication timing regulatory factor 1; plus strand). Cytogenetic location: 2q23.3.
Variant type: single nucleotide variant.
Coding change: c.22477C>T on transcript NM_001164508.2 (MANE Select); coding-DNA position 22477, C replaced by T.
Protein change: p.Gln7493Ter; replaces glutamine 7493 with a stop codon.
Molecular consequence: nonsense.
Genome position (GRCh38, 1-based): chr2:151,524,313, G>A on the plus strand (C>T on the coding strand, the complement: NEB is on the minus strand). VCF-style: chr2-151524313-G-A. GRCh37 (hg19) VCF-style: chr2-152380827-G-A.
Other names: c.22477C>T, p.Gln7493Ter (NM_001164507.2); c.22582C>T, p.Gln7528Ter (NM_001271208.2); c.17374C>T, p.Gln5792Ter (NM_004543.5); short protein forms Q7493*, Q7528*, Q5792*.
Identifiers: ClinVar variation 2767884 (VCV002767884.3), dbSNP rs2552107867, ClinGen allele CA348764358.

ClinVar aggregate classification (germline): Pathogenic (1 of 4 stars; one submission).

Conditions:
Nemaline myopathy 2 (NEM2). Also called: Nemaline myopathy 2, autosomal recessive. Identifiers: MedGen C1850569, MONDO:0009725, OMIM 256030.

Submission:

Labcorp Genetics (formerly Invitae), Labcorp
Classification: Pathogenic for Nemaline myopathy 2. Last evaluated: 2023-10-13. Review status: criteria provided, single submitter. Criteria: Invitae Variant Classification Sherloc (09022015). Collection method: clinical testing. Allele origin: germline.
Comment: This sequence change creates a premature translational stop signal (p.Gln7528*) in the NEB gene. It is expected to result in an absent or disrupted protein product. Loss-of-function variants in NEB are known to be pathogenic (PMID: 25205138). This variant is not present in population databases (gnomAD no frequency). This variant has not been reported in the literature in individuals affected with NEB-related conditions. For these reasons, this variant has been classified as Pathogenic.

Literature cited by the submitters: PubMed 25205138.